The following is an entry in ClinVar:

ClinVar aggregate classification (germline): Likely benign. Review status: criteria provided, multiple submitters, no conflicts (2 of 4 stars). 3 submissions from 3 submitters: Likely benign (3). Last evaluated 2025-05-13.

Conditions:
Fanconi anemia (FA). Also called: Fanconi's anemia. Identifiers: Orphanet 84, MedGen C0015625, MeSH D005199, MONDO:0019391.

Allele frequency attached by ClinVar (database versions not stated): gnomAD 0.00001; TOPMed 0.00001.
gnomAD v4.1: 8 of 1,613,700 alleles (0.0005%); highest among the groups gnomAD compares: African/African-American, 0.0027%; no homozygotes.

Submissions (3):

Labcorp Genetics (formerly Invitae), Labcorp
Classification: Likely benign for Fanconi anemia. Last evaluated: 2025-05-13. Review status: criteria provided, single submitter. Criteria: Invitae Variant Classification Sherloc (09022015). Collection method: clinical testing. Allele origin: germline.

CeGaT Center for Human Genetics Tuebingen
Classification: Likely benign. Last evaluated: 2023-12-01. Review status: criteria provided, single submitter. Criteria: CeGaT Center For Human Genetics Tuebingen Variant Classification Criteria Version 2. Collection method: clinical testing. Allele origin: germline. Affected: yes. Observed: 1 variant allele.
Comment: FANCA: BP4, BP7

Quest Diagnostics Nichols Institute San Juan Capistrano
Classification: Likely benign. Last evaluated: 2021-07-16. Review status: criteria provided, single submitter. Criteria: Quest Diagnostics criteria. Collection method: clinical testing. Allele origin: unknown.

NM_000135.4(FANCA):c.687C>T (p.Asp229=)

Gene: FANCA (FA complementation group A; minus strand). Cytogenetic location: 16q24.3.
Variant type: single nucleotide variant.
Coding change: c.687C>T on transcript NM_000135.4 (MANE Select); coding-DNA position 687, C replaced by T.
Protein change: p.Asp229=; no amino-acid change (aspartic acid 229 retained).
Molecular consequence: synonymous variant.
Genome position (GRCh38, 1-based): chr16:89,805,302, G>A on the plus strand (C>T on the coding strand, the complement: FANCA is on the minus strand). VCF-style: chr16-89805302-G-A. GRCh37 (hg19) VCF-style: chr16-89871710-G-A.
Other names: c.687C>T, p.Asp229= (NM_001018112.3, NM_001286167.3); c.591C>T, p.Asp197= (NM_001351830.2).
Identifiers: ClinVar variation 703443 (VCV000703443.35), dbSNP rs1598177104, ClinGen allele CA497195523.